The following is an entry in ClinVar:

ClinVar aggregate classification (germline): Uncertain significance (1 of 4 stars; one submission).

Submission:

Women's Health and Genetics/Laboratory Corporation of America, LabCorp
Classification: Uncertain significance. Last evaluated: 2024-11-21. Review status: criteria provided, single submitter. Criteria: LabCorp Variant Classification Summary - May 2015. Collection method: clinical testing. Allele origin: germline.
Comment: Variant summary: PTCH1 c.-15G>C is located in the untranslated mRNA region upstream of the initiation codon. The frequency data for this variant in gnomAD is considered unreliable, as metrics indicate poor data quality at this position. To our knowledge, no occurrence of c.-15G>C in individuals affected with Nevoid Basal Cell Carcinoma Syndrome (Gorlin Syndrome) and no experimental evidence demonstrating its impact on protein function have been reported. No submitters have cited clinical-significance assessments for this variant to ClinVar. Based on the evidence outlined above, the variant was classified as uncertain significance.

NM_000264.5(PTCH1):c.-15G>C

Genes: PTCH1 (patched 1; minus strand), LOC130002133 (ATAC-STARR-seq lymphoblastoid silent region 20071; plus strand). Cytogenetic location: 9q22.32.
Variant type: single nucleotide variant.
Coding change: c.-15G>C on transcript NM_000264.5 (MANE Select); 15 bases upstream of the start codon, G replaced by C.
Molecular consequence: 5 prime UTR variant. On other transcripts: non-coding transcript variant (1), intron variant (3).
Genome position (GRCh38, 1-based): chr9:95,508,376, C>G on the plus strand (G>C on the coding strand, the complement: PTCH1 is on the minus strand). VCF-style: chr9-95508376-C-G. GRCh37 (hg19) VCF-style: chr9-98270658-C-G.
Other names: c.-15G>C (NM_001354918.2); c.199-1777G>C (NM_001083603.3); c.4-1777G>C (NM_001083602.3, NM_001354919.2).
Identifiers: ClinVar variation 3629945 (VCV003629945.1).
Genomic context (GRCh38, chr9:95,508,376, plus strand): 5'-CGCCGCCGCGGTCCTGGGGCTCGGCGGCGTTACCAGCCGAGGCCATGTTGCCGCCGCCGC[C>G]GCCGCCGCCGCGGGGACGGAGGCTTCCCGGGCGGCCCGGCGCGCTGCTGCCGCTGCTGCG-3'